The following is an entry in ClinVar:

ClinVar aggregate classification (germline): Benign (1 of 4 stars; one submission).

Allele frequency attached by ClinVar (database versions not stated): 1000 Genomes Project 0.12021; TOPMed 0.14443; gnomAD 0.14451 and 0.14441; 1000 Genomes Project 30x 0.11711.
gnomAD v4.1: 22,186 of 152,246 alleles (15%); highest among the groups gnomAD compares: Middle Eastern, 21%; 1,828 homozygotes.

Submissions (5):

GeneDx
Classification: Benign. Last evaluated: 2018-06-14. Review status: criteria provided, single submitter. Criteria: GeneDx Variant Classification (06012015). Collection method: clinical testing. Allele origin: germline. Affected: yes.
Comment: This variant is considered likely benign or benign based on one or more of the following criteria: it is a conservative change, it occurs at a poorly conserved position in the protein, it is predicted to be benign by multiple in silico algorithms, and/or has population frequency not consistent with disease.

Dr. Peter K. Rogan Lab, Western University
No classification provided (evidence only). Condition: Lung cancer. Review status: no classification provided. Collection method: in vitro. Allele origin: not applicable. Functional consequence: retained intron. Not counted in ClinVar's aggregate classification.

Dr. Peter K. Rogan Lab, Western University
No classification provided (evidence only). Condition: Lung cancer. Review status: no classification provided. Collection method: in vitro. Allele origin: not applicable. Functional consequence: retained intron. Not counted in ClinVar's aggregate classification.

Dr. Peter K. Rogan Lab, Western University
No classification provided (evidence only). Condition: Cholangiocarcinoma. Review status: no classification provided. Collection method: in vitro. Allele origin: not applicable. Functional consequence: retained intron. Not counted in ClinVar's aggregate classification.

Dr. Peter K. Rogan Lab, Western University
No classification provided (evidence only). Condition: Cholangiocarcinoma. Review status: no classification provided. Collection method: in vitro. Allele origin: not applicable. Functional consequence: retained intron. Not counted in ClinVar's aggregate classification.

NM_003119.4(SPG7):c.287-280A>G

Gene: SPG7 (SPG7 matrix AAA peptidase subunit, paraplegin; plus strand). Cytogenetic location: 16q24.3.
Variant type: single nucleotide variant.
Coding change: c.287-280A>G on transcript NM_003119.4 (MANE Select); 280 bases into the intron before coding-DNA position 287, A replaced by G.
Molecular consequence: intron variant.
Genome position (GRCh38, 1-based): chr16:89,512,668, A>G. VCF-style: chr16-89512668-A-G. GRCh37 (hg19) VCF-style: chr16-89579076-A-G.
Other names: NC_000016.9:g.89579076A>G; c.287-280A>G (NM_001363850.1, NM_199367.3).
Identifiers: ClinVar variation 669572 (VCV000669572.2), dbSNP rs35463145, ClinGen allele CA14290844.